The following is an entry in ClinVar:

NM_015443.4(KANSL1):c.1297A>T (p.Arg433Trp)

Gene: KANSL1 (KAT8 regulatory NSL complex subunit 1). Cytogenetic location: 17q21.31.
Variant type: single nucleotide variant.
Coding change: c.1297A>T on transcript NM_015443.4 (MANE Select); coding-DNA position 1297, A replaced by T.
Protein change: p.Arg433Trp; replaces arginine 433 with tryptophan.
Molecular consequence: missense variant.
Genome position (GRCh38, 1-based): chr17:46,094,694, T>A on the plus strand (A>T on the coding strand, the complement: KANSL1 is on the minus strand). VCF-style: chr17-46094694-T-A. GRCh37 (hg19) VCF-style: chr17-44172060-T-A.
Other names: c.1297A>T, p.Arg433Trp (NM_001193465.2, NM_001193466.2, NM_001379198.1); short protein forms R433W.
Identifiers: ClinVar variation 1314647 (VCV001314647.2), dbSNP rs2146948079, ClinGen allele CA399997551.

ClinVar aggregate classification (germline): Uncertain significance (1 of 4 stars; one submission).

Submission:

GeneDx
Classification: Uncertain significance. Last evaluated: 2021-04-09. Review status: criteria provided, single submitter. Criteria: GeneDx Variant Classification Process June 2021. Collection method: clinical testing. Allele origin: germline. Affected: yes.
Comment: Not observed in large population cohorts (Lek et al., 2016); In silico analysis supports that this missense variant has a deleterious effect on protein structure/function; Has not been previously published as pathogenic or benign to our knowledge